The following is an entry in ClinVar:

NM_013276.4(SHPK):c.269C>T (p.Ser90Leu)

Gene: SHPK (sedoheptulokinase; minus strand). Cytogenetic location: 17p13.2.
Variant type: single nucleotide variant.
Coding change: c.269C>T on transcript NM_013276.4 (MANE Select); coding-DNA position 269, C replaced by T.
Protein change: p.Ser90Leu; replaces serine 90 with leucine.
Molecular consequence: missense variant.
Genome position (GRCh38, 1-based): chr17:3,630,246, G>A on the plus strand (C>T on the coding strand, the complement: SHPK is on the minus strand). VCF-style: chr17-3630246-G-A. GRCh37 (hg19) VCF-style: chr17-3533540-G-A.
Other names: c.269C>T (NM_013276.2); short protein forms S90L.
Identifiers: ClinVar variation 1426670 (VCV001426670.9), dbSNP rs770301326, ClinGen allele CA8291395.

ClinVar aggregate classification (germline): Uncertain significance. Review status: criteria provided, multiple submitters, no conflicts (2 of 4 stars). 2 submissions from 2 submitters: Uncertain significance (2). Last evaluated 2024-07-02.

Allele frequency attached by ClinVar (database versions not stated): gnomAD 0.00001; gnomAD exomes 0.00002 and 0.00005; TOPMed 0.00004; ExAC 0.00007.
gnomAD v4.1: 41 of 1,613,538 alleles (0.0025%); highest among the groups gnomAD compares: South Asian, 0.015%; 1 homozygote.

Submissions (2):

Ambry Genetics
Classification: Uncertain significance. Last evaluated: 2024-07-02. Review status: criteria provided, single submitter. Criteria: Ambry Variant Classification Scheme 2023. Collection method: clinical testing. Allele origin: germline.

Labcorp Genetics (formerly Invitae), Labcorp
Classification: Uncertain significance. Last evaluated: 2022-07-05. Review status: criteria provided, single submitter. Criteria: Invitae Variant Classification Sherloc (09022015). Collection method: clinical testing. Allele origin: germline.
Comment: In summary, the available evidence is currently insufficient to determine the role of this variant in disease. Therefore, it has been classified as a Variant of Uncertain Significance. Algorithms developed to predict the effect of missense changes on protein structure and function are either unavailable or do not agree on the potential impact of this missense change (SIFT: "Tolerated"; PolyPhen-2: "Probably Damaging"; Align-GVGD: "Class C15"). ClinVar contains an entry for this variant (Variation ID: 1426670). This variant has not been reported in the literature in individuals affected with SHPK-related conditions. The frequency data for this variant in the population databases is considered unreliable, as metrics indicate poor data quality at this position in the gnomAD database. This sequence change replaces serine, which is neutral and polar, with leucine, which is neutral and non-polar, at codon 90 of the SHPK protein (p.Ser90Leu).